The following is an entry in ClinVar:

NM_000264.5(PTCH1):c.1037C>T (p.Thr346Ile)

Gene: PTCH1 (patched 1; minus strand). Cytogenetic location: 9q22.32.
Variant type: single nucleotide variant.
Coding change: c.1037C>T on transcript NM_000264.5 (MANE Select); coding-DNA position 1037, C replaced by T.
Protein change: p.Thr346Ile; replaces threonine 346 with isoleucine.
Molecular consequence: missense variant. On other transcripts: non-coding transcript variant (1).
Genome position (GRCh38, 1-based): chr9:95,479,999, G>A on the plus strand (C>T on the coding strand, the complement: PTCH1 is on the minus strand). VCF-style: chr9-95479999-G-A. GRCh37 (hg19) VCF-style: chr9-98242281-G-A.
Other names: c.839C>T, p.Thr280Ile (NM_001083602.3); c.1034C>T, p.Thr345Ile (NM_001083603.3); c.584C>T, p.Thr195Ile (NM_001083604.3, NM_001083605.3, NM_001083606.3 and 1 more transcripts); c.1037C>T, p.Thr346Ile (NM_001354918.2); c.1037C>T (NM_000264.3); short protein forms T195I, T280I, T345I, T346I.
Identifiers: ClinVar variation 1051023 (VCV001051023.11), dbSNP rs1841400047, ClinGen allele CA374119618.
Genomic context (GRCh38, chr9:95,479,999, plus strand): 5'-GGCATAGATTGTCCTCGGGAGCTGGCTTACCTGACGAGTTTTCCAGTGCTGTTCTTGACT[G>A]TGCCACCCACAATCAACTCCTCCTGCCAGTGCATATACTTTCTGGATAAGCCATGACATC-3'
Protein context (NP_000255.2, residues 336-356): HWQEELIVGG[Thr346Ile]VKNSTGKLVS

ClinVar aggregate classification (germline): Uncertain significance. Review status: criteria provided, multiple submitters, no conflicts (2 of 4 stars). 3 submissions from 3 submitters: Uncertain significance (3). Last evaluated 2024-09-09.

Conditions:
Hereditary cancer-predisposing syndrome. Also called: Hereditary Cancer Syndrome; Tumor predisposition; Hereditary neoplastic syndrome; Neoplastic Syndromes, Hereditary. Identifiers: Orphanet 140162, MedGen C0027672, MeSH D009386, MONDO:0015356.
Gorlin syndrome. Also called: Nevoid Basal Cell Carcinoma Syndrome; Basal cell nevus syndrome. Identifiers: Orphanet 377, MedGen C0004779, MONDO:0007187.

Allele frequency attached by ClinVar (database versions not stated): gnomAD exomes below 0.00001.
gnomAD v4.1: 2 of 1,614,104 alleles (0.00012%); highest among the groups gnomAD compares: East Asian, 0.0045%; no homozygotes.

Submissions (3):

Women's Health and Genetics/Laboratory Corporation of America, LabCorp
Classification: Uncertain significance. Last evaluated: 2024-09-09. Review status: criteria provided, single submitter. Criteria: LabCorp Variant Classification Summary - May 2015. Collection method: clinical testing. Allele origin: germline.

Labcorp Genetics (formerly Invitae), Labcorp
Classification: Uncertain significance for Gorlin syndrome. Last evaluated: 2024-04-24. Review status: criteria provided, single submitter. Criteria: Invitae Variant Classification Sherloc (09022015). Collection method: clinical testing. Allele origin: germline.
Comment: This sequence change replaces threonine, which is neutral and polar, with isoleucine, which is neutral and non-polar, at codon 346 of the PTCH1 protein (p.Thr346Ile). This variant is not present in population databases (gnomAD no frequency). This variant has not been reported in the literature in individuals affected with PTCH1-related conditions. ClinVar contains an entry for this variant (Variation ID: 1051023). Advanced modeling of protein sequence and biophysical properties (such as structural, functional, and spatial information, amino acid conservation, physicochemical variation, residue mobility, and thermodynamic stability) performed at Invitae indicates that this missense variant is not expected to disrupt PTCH1 protein function with a negative predictive value of 95%. In summary, the available evidence is currently insufficient to determine the role of this variant in disease. Therefore, it has been classified as a Variant of Uncertain Significance.

Ambry Genetics
Classification: Uncertain significance for Hereditary cancer-predisposing syndrome. Last evaluated: 2024-03-25. Review status: criteria provided, single submitter. Criteria: Ambry Variant Classification Scheme 2023. Collection method: clinical testing. Allele origin: germline.
Comment: The p.T346I variant (also known as c.1037C>T), located in coding exon 7 of the PTCH1 gene, results from a C to T substitution at nucleotide position 1037. The threonine at codon 346 is replaced by isoleucine, an amino acid with similar properties. This amino acid position is conserved. In addition, this alteration is predicted to be deleterious by in silico analysis. Based on the available evidence, the clinical significance of this alteration remains unclear.